The following is an entry in ClinVar:

NM_001182.5(ALDH7A1):c.882G>T (p.Leu294=)

Gene: ALDH7A1 (aldehyde dehydrogenase 7 family member A1; minus strand). Cytogenetic location: 5q23.2.
Variant type: single nucleotide variant.
Coding change: c.882G>T on transcript NM_001182.5 (MANE Select); coding-DNA position 882, G replaced by T.
Protein change: p.Leu294=; no amino-acid change (leucine 294 retained).
Molecular consequence: synonymous variant.
Genome position (GRCh38, 1-based): chr5:126,561,114, C>A on the plus strand (G>T on the coding strand, the complement: ALDH7A1 is on the minus strand). VCF-style: chr5-126561114-C-A. GRCh37 (hg19) VCF-style: chr5-125896806-C-A.
Other names: c.798G>T, p.Leu266= (NM_001201377.2); c.882G>T, p.Leu294= (NM_001202404.2).
Identifiers: ClinVar variation 3068950 (VCV003068950.2), dbSNP rs751053781, ClinGen allele CA446282369.

ClinVar aggregate classification (germline): Likely benign (1 of 4 stars; one submission).

gnomAD v4.1: 5 of 1,611,910 alleles (0.00031%); highest among the groups gnomAD compares: African/African-American, 0.0027%; no homozygotes.

Submission:

Women's Health and Genetics/Laboratory Corporation of America, LabCorp
Classification: Likely benign. Last evaluated: 2024-02-09. Review status: criteria provided, single submitter. Criteria: LabCorp Variant Classification Summary - May 2015. Collection method: clinical testing. Allele origin: germline.
Comment: Variant summary: ALDH7A1 c.882G>T alters a non-conserved nucleotide resulting in a synonymous change. Consensus agreement among computational tools predict no significant impact on normal splicing. However, these predictions have yet to be confirmed by functional studies. The variant allele was found at a frequency of 8e-06 in 250930 control chromosomes (gnomAD). The available data on variant occurrences in the general population are insufficient to allow any conclusion about variant significance. To our knowledge, no occurrence of c.882G>T in individuals affected with Pyridoxine-Dependent Epilepsy and no experimental evidence demonstrating its impact on protein function have been reported. No submitters have cited clinical-significance assessments for this variant to ClinVar. Based on the evidence outlined above, the variant was classified as likely benign.